The following is an entry in ClinVar:

NM_001142459.2(ASB10):c.450C>T (p.Thr150=)

Gene: ASB10 (ankyrin repeat and SOCS box containing 10; minus strand). Cytogenetic location: 7q36.1.
Variant type: single nucleotide variant.
Coding change: c.450C>T on transcript NM_001142459.2 (MANE Select); coding-DNA position 450, C replaced by T.
Protein change: p.Thr150=; no amino-acid change (threonine 150 retained).
Molecular consequence: synonymous variant.
Genome position (GRCh38, 1-based): chr7:151,186,526, G>A on the plus strand (C>T on the coding strand, the complement: ASB10 is on the minus strand). VCF-style: chr7-151186526-G-A. GRCh37 (hg19) VCF-style: chr7-150883613-G-A.
Other names: c.450C>T, p.Thr150= (NM_001142460.1); c.405C>T, p.Thr135= (NM_080871.4).
Identifiers: ClinVar variation 1317780 (VCV001317780.11), dbSNP rs73727103, ClinGen allele CA4573878.
Genomic context (GRCh38, chr7:151,186,526, plus strand): 5'-TGCCACCAGCAGCACATGAACACAGGCAGTGTGGCCTGCAGCACAGGCCTCGTGCAGGGC[G>A]GTGCGGCCCCCAGGGGCACTGTCTGGCCTTGCTCGCCGCCTCAGCAGCAGCCGCAGGACT-3'
Protein context (NP_001135931.2, residues 140-160): ARPDSAPGGR[Thr150=]ALHEACAAGH

ClinVar aggregate classification (germline): Benign/Likely benign. Review status: criteria provided, multiple submitters, no conflicts (2 of 4 stars). 3 submissions from 3 submitters: Benign (1); Likely benign (1). 1 of the submissions does not count toward it. Last evaluated 2025-12-21.

Conditions:
ASB10-related disorder. Also called: ASB10-related condition.

Allele frequency attached by ClinVar (database versions not stated): 1000 Genomes Project 0.00459; gnomAD 0.00479 and 0.00510; TOPMed 0.00534; 1000 Genomes Project 30x 0.00547; ESP Exome Variant Server 0.00609.
gnomAD v4.1: 1,577 of 1,603,478 alleles (0.098%); highest among the groups gnomAD compares: African/African-American, 1.7%; 7 homozygotes.

Submissions (3):

Labcorp Genetics (formerly Invitae), Labcorp
Classification: Benign. Last evaluated: 2025-12-21. Review status: criteria provided, single submitter. Criteria: Invitae Variant Classification Sherloc (09022015). Collection method: clinical testing. Allele origin: germline.

GeneDx
Classification: Likely benign. Last evaluated: 2020-06-10. Review status: criteria provided, single submitter. Criteria: GeneDx Variant Classification Process June 2021. Collection method: clinical testing. Allele origin: germline. Affected: yes.

PreventionGenetics, part of Exact Sciences
Classification: Benign for ASB10-related condition. Last evaluated: 2019-03-14. Review status: no assertion criteria provided. Collection method: clinical testing. Allele origin: germline. Not counted in ClinVar's aggregate classification.
Comment: This variant is classified as benign based on ACMG/AMP sequence variant interpretation guidelines (Richards et al. 2015 PMID: 25741868, with internal and published modifications).